The following is an entry in ClinVar:

NM_033109.5(PNPT1):c.2331G>C (p.Gln777His)

Gene: PNPT1 (polyribonucleotide nucleotidyltransferase 1; minus strand). Cytogenetic location: 2p16.1.
Variant type: single nucleotide variant.
Coding change: c.2331G>C on transcript NM_033109.5 (MANE Select); coding-DNA position 2331, G replaced by C.
Protein change: p.Gln777His; replaces glutamine 777 with histidine.
Molecular consequence: missense variant.
Genome position (GRCh38, 1-based): chr2:55,636,258, C>G on the plus strand (G>C on the coding strand, the complement: PNPT1 is on the minus strand). VCF-style: chr2-55636258-C-G. GRCh37 (hg19) VCF-style: chr2-55863393-C-G.
Other names: short protein forms Q777H.
Identifiers: ClinVar variation 4780044 (VCV004780044.1).

ClinVar aggregate classification (germline): Uncertain significance (1 of 4 stars; one submission).

Submission:

Labcorp Genetics (formerly Invitae), Labcorp
Classification: Uncertain significance. Last evaluated: 2025-10-15. Review status: criteria provided, single submitter. Criteria: Invitae Variant Classification Sherloc (09022015). Collection method: clinical testing. Allele origin: germline.
Comment: This sequence change replaces glutamine, which is neutral and polar, with histidine, which is basic and polar, at codon 777 of the PNPT1 protein (p.Gln777His). This variant is not present in population databases (gnomAD no frequency). This variant has not been reported in the literature in individuals affected with PNPT1-related conditions. Invitae Evidence Modeling of protein sequence and biophysical properties (such as structural, functional, and spatial information, amino acid conservation, physicochemical variation, residue mobility, and thermodynamic stability) indicates that this missense variant is not expected to disrupt PNPT1 protein function with a negative predictive value of 95%. In summary, the available evidence is currently insufficient to determine the role of this variant in disease. Therefore, it has been classified as a Variant of Uncertain Significance.